The following is an entry in ClinVar:

ClinVar aggregate classification (germline): Uncertain significance (1 of 4 stars; one submission).

Conditions:
Episodic kinesigenic dyskinesia (EKD). Also called: Paroxysmal kinesigenic dyskinesia. Identifiers: Orphanet 98809, MedGen C1868682, MONDO:0044202.

Submission:

Labcorp Genetics (formerly Invitae), Labcorp
Classification: Uncertain significance for Episodic kinesigenic dyskinesia. Last evaluated: 2023-12-06. Review status: criteria provided, single submitter. Criteria: Invitae Variant Classification Sherloc (09022015). Collection method: clinical testing. Allele origin: germline.
Comment: This sequence change replaces serine, which is neutral and polar, with cysteine, which is neutral and slightly polar, at codon 208 of the PRRT2 protein (p.Ser208Cys). This variant is not present in population databases (gnomAD no frequency). This variant has not been reported in the literature in individuals affected with PRRT2-related conditions. ClinVar contains an entry for this variant (Variation ID: 2145346). Advanced modeling of protein sequence and biophysical properties (such as structural, functional, and spatial information, amino acid conservation, physicochemical variation, residue mobility, and thermodynamic stability) performed at Invitae indicates that this missense variant is not expected to disrupt PRRT2 protein function with a negative predictive value of 95%. In summary, the available evidence is currently insufficient to determine the role of this variant in disease. Therefore, it has been classified as a Variant of Uncertain Significance.

NM_145239.3(PRRT2):c.623C>G (p.Ser208Cys)

Genes: MVP-DT (MVP divergent transcript; minus strand), PRRT2 (proline rich transmembrane protein 2; plus strand). Cytogenetic location: 16p11.2.
Variant type: single nucleotide variant.
Coding change: c.623C>G on transcript NM_145239.3 (MANE Select); coding-DNA position 623, C replaced by G.
Protein change: p.Ser208Cys; replaces serine 208 with cysteine.
Molecular consequence: missense variant.
Genome position (GRCh38, 1-based): chr16:29,813,677, C>G. VCF-style: chr16-29813677-C-G. GRCh37 (hg19) VCF-style: chr16-29824998-C-G.
Other names: c.623C>G, p.Ser208Cys (NM_001256442.2, NM_001256443.2); short protein forms S208C.
Identifiers: ClinVar variation 2145346 (VCV002145346.4), dbSNP rs201409113, ClinGen allele CA395479108.